The following is an entry in ClinVar:

NM_002905.5(RDH5):c.537del (p.Lys179fs)

Genes: BLOC1S1-RDH5 (BLOC1S1-RDH5 readthrough; plus strand), RDH5 (retinol dehydrogenase 5; plus strand). Cytogenetic location: 12q13.2.
Variant type: Deletion.
Coding change: c.537del on transcript NM_002905.5 (MANE Select); coding-DNA position 537, one base deleted (A; older notation c.537delA).
Protein change: p.Lys179fs; shifts the reading frame from lysine 179.
Molecular consequence: frameshift variant. On other transcripts: non-coding transcript variant (1).
Genome position (GRCh38, 1-based): chr12:55,721,915, A deleted; the last of 3 consecutive A bases (chr12:55,721,913-55,721,915); deleting any one gives the same sequence. VCF-style (leftmost placement, unchanged base first): chr12-55721912-CA-C. GRCh37 (hg19) VCF-style: chr12-56115696-CA-C.
Other names: c.537del, p.Lys179fs (NM_001199771.3); short protein forms K179fs.
Identifiers: ClinVar variation 2834187 (VCV002834187.3), dbSNP rs2540004166, ClinGen allele CA2739272093.
Genomic context (GRCh38, chr12:55,721,912, plus strand): 5'-GATCAACATCACCAGCGTCCTGGGTCGCCTGGCAGCCAATGGTGGGGGCTACTGTGTCTC[CA>C]AATTTGGCCTGGAGGCCTTCTCTGACAGCCTGAGGTGAGGGGTACAGGGCTCTGGGTTCC-3'

ClinVar aggregate classification (germline): Pathogenic (1 of 4 stars; one submission).

Submission:

Labcorp Genetics (formerly Invitae), Labcorp
Classification: Pathogenic. Last evaluated: 2023-02-03. Review status: criteria provided, single submitter. Criteria: Invitae Variant Classification Sherloc (09022015). Collection method: clinical testing. Allele origin: germline.
Comment: For these reasons, this variant has been classified as Pathogenic. This variant has not been reported in the literature in individuals affected with RDH5-related conditions. This variant is not present in population databases (gnomAD no frequency). This sequence change creates a premature translational stop signal (p.Lys179Asnfs*11) in the RDH5 gene. It is expected to result in an absent or disrupted protein product. Loss-of-function variants in RDH5 are known to be pathogenic (PMID: 11675386, 22815624).

Literature cited by the submitters: PubMed 11675386; PubMed 22815624.